The following is an entry in ClinVar:

NM_001042492.3(NF1):c.1528-1G>T

Gene: NF1 (neurofibromin 1; plus strand). Cytogenetic location: 17q11.2.
Variant type: single nucleotide variant.
Coding change: c.1528-1G>T on transcript NM_001042492.3 (MANE Select); the canonical splice acceptor site of the intron before coding-DNA position 1528, G replaced by T.
Molecular consequence: splice acceptor variant.
Genome position (GRCh38, 1-based): chr17:31,219,004, G>T. VCF-style: chr17-31219004-G-T. GRCh37 (hg19) VCF-style: chr17-29546022-G-T.
Other names: c.1528-1G>T (NM_000267.4, NM_001128147.3).
Identifiers: ClinVar variation 480181 (VCV000480181.6), dbSNP rs876660595, ClinGen allele CA399001810.

ClinVar aggregate classification (germline): Conflicting classifications of pathogenicity. Review status: criteria provided, conflicting classifications (1 of 4 stars). 2 submissions from 2 submitters: Likely pathogenic (1); Uncertain significance (1). Last evaluated 2019-05-28.

Conditions:
Cardiovascular phenotype. Identifiers: MedGen CN230736.
Hereditary cancer-predisposing syndrome. Also called: Hereditary neoplastic syndrome; Neoplastic Syndromes, Hereditary; Tumor predisposition; Hereditary Cancer Syndrome. Identifiers: Orphanet 140162, MedGen C0027672, MeSH D009386, MONDO:0015356.
Neurofibromatosis, type 1 (NF1). Also called: VON RECKLINGHAUSEN DISEASE; Peripheral type neurofibromatosis; NEUROFIBROMATOSIS, TYPE I, SOMATIC; Neurofibromatosis, type I. Identifiers: Orphanet 636, MedGen C0027831, MONDO:0018975, OMIM 162200. Disease mechanism: loss of function.

Submissions (2):

Mendelics
Classification: Uncertain significance for Neurofibromatosis, type 1. Last evaluated: 2019-05-28. Review status: criteria provided, single submitter. Criteria: Mendelics Assertion Criteria 2017. Collection method: clinical testing. Allele origin: unknown.

Ambry Genetics
Classification: Likely pathogenic for Cardiovascular phenotype; Hereditary cancer-predisposing syndrome. Last evaluated: 2016-12-28. Review status: criteria provided, single submitter. Criteria: Ambry Variant Classification Scheme 2023. Collection method: clinical testing. Allele origin: germline.
Comment: The c.1528-1G>T intronic variant results from a G to T substitution one nucleotide upstream from coding exon 14 of the NF1 gene. This nucleotide position is highly conserved in available vertebrate species. Using two different splice site prediction tools, this alteration is predicted by BDGP to abolish the native splice acceptor site, but is predicted to weaken (but not abolish) the efficiency of the native splice acceptor site by ESEfinder; however, direct evidence is unavailable. Alterations that disrupt the canonical splice site are expected to cause aberrant splicing, resulting in an abnormal protein or a transcript that is subject to nonsense-mediated mRNA decay. As such, this alteration is classified as likely pathogenic.